The following is an entry in ClinVar:

ClinVar aggregate classification (germline): Uncertain significance. Review status: criteria provided, multiple submitters, no conflicts (2 of 4 stars). 3 submissions from 3 submitters: Uncertain significance (3). Last evaluated 2024-08-05.

Conditions:
Inborn genetic diseases. Identifiers: MedGen C0950123, MeSH D030342.
Developmental and epileptic encephalopathy, 23 (DEE23). Also called: Epileptic encephalopathy, early infantile, 23. Identifiers: Orphanet 411986, MedGen C4014492, MONDO:0014371, OMIM 615859.

Allele frequency attached by ClinVar (database versions not stated): gnomAD 0.00001; gnomAD exomes 0.00001.
gnomAD v4.1: 4 of 1,613,902 alleles (0.00025%); highest among the groups gnomAD compares: East Asian, 0.0022%; no homozygotes.

Submissions (3):

Labcorp Genetics (formerly Invitae), Labcorp
Classification: Uncertain significance for Developmental and epileptic encephalopathy, 23. Last evaluated: 2024-08-05. Review status: criteria provided, single submitter. Criteria: Invitae Variant Classification Sherloc (09022015). Collection method: clinical testing. Allele origin: germline.
Comment: This sequence change replaces threonine, which is neutral and polar, with methionine, which is neutral and non-polar, at codon 1958 of the DOCK7 protein (p.Thr1958Met). This variant is not present in population databases (gnomAD no frequency). This variant has not been reported in the literature in individuals affected with DOCK7-related conditions. ClinVar contains an entry for this variant (Variation ID: 1354108). Advanced modeling of protein sequence and biophysical properties (such as structural, functional, and spatial information, amino acid conservation, physicochemical variation, residue mobility, and thermodynamic stability) has been performed at Invitae for this missense variant, however the output from this modeling did not meet the statistical confidence thresholds required to predict the impact of this variant on DOCK7 protein function. In summary, the available evidence is currently insufficient to determine the role of this variant in disease. Therefore, it has been classified as a Variant of Uncertain Significance.

Genome-Nilou Lab
Classification: Uncertain significance for Developmental and epileptic encephalopathy, 23. Last evaluated: 2023-04-11. Review status: criteria provided, single submitter. Criteria: ACMG Guidelines, 2015. Collection method: clinical testing. Allele origin: germline. Affected: no.

Ambry Genetics
Classification: Uncertain significance for Inborn genetic diseases. Last evaluated: 2022-03-25. Review status: criteria provided, single submitter. Criteria: Ambry Variant Classification Scheme 2023. Collection method: clinical testing. Allele origin: germline.

NM_001367561.1(DOCK7):c.5906C>T (p.Thr1969Met)

Gene: DOCK7 (dedicator of cytokinesis 7; minus strand). Cytogenetic location: 1p31.3.
Variant type: single nucleotide variant.
Coding change: c.5906C>T on transcript NM_001367561.1 (MANE Select); coding-DNA position 5906, C replaced by T.
Protein change: p.Thr1969Met; replaces threonine 1969 with methionine.
Molecular consequence: missense variant.
Genome position (GRCh38, 1-based): chr1:62,475,762, G>A on the plus strand (C>T on the coding strand, the complement: DOCK7 is on the minus strand). VCF-style: chr1-62475762-G-A. GRCh37 (hg19) VCF-style: chr1-62941433-G-A.
Other names: c.5873C>T, p.Thr1958Met (NM_001271999.2); c.5786C>T, p.Thr1929Met (NM_001272000.2); c.5780C>T, p.Thr1927Met (NM_001272001.2); c.5879C>T, p.Thr1960Met (NM_001330614.2); c.5813C>T, p.Thr1938Met (NM_033407.4); c.5813C>T (NM_033407.2); short protein forms T1938M, T1927M, T1958M, T1969M, T1929M, T1960M.
Identifiers: ClinVar variation 1354108 (VCV001354108.8), dbSNP rs1645952347, ClinGen allele CA340602932.